The following is an entry in ClinVar:

ClinVar aggregate classification (germline): Conflicting classifications of pathogenicity. Review status: criteria provided, conflicting classifications (1 of 4 stars). 5 submissions from 5 submitters: Uncertain significance (4); Benign (1). Last evaluated 2025-05-28.

Conditions:
Patterned macular dystrophy 2. Identifiers: Orphanet 99001, MedGen C1837029, MONDO:0012162, OMIM 608970.
Hereditary cancer-predisposing syndrome. Also called: Neoplastic Syndromes, Hereditary; Hereditary neoplastic syndrome; Tumor predisposition; Hereditary Cancer Syndrome. Identifiers: Orphanet 140162, MedGen C0027672, MeSH D009386, MONDO:0015356.
Retinal dystrophy. Also called: Inherited retinal dystrophy. Identifiers: Orphanet 71862, MedGen C0854723, MeSH D058499, MONDO:0019118, HP:0000556.

Allele frequency attached by ClinVar (database versions not stated): gnomAD exomes 0.00002 and 0.00006; ExAC 0.00007.
gnomAD v4.1: 35 of 1,612,646 alleles (0.0022%); highest among the groups gnomAD compares: South Asian, 0.033%; 1 homozygote.

Submissions (5):

GeneDx
Classification: Uncertain significance. Last evaluated: 2025-05-28. Review status: criteria provided, single submitter. Criteria: GeneDx Variant Classification Process June 2021. Collection method: clinical testing. Allele origin: germline.
Comment: In silico analysis supports that this missense variant has a deleterious effect on protein structure/function; Has not been previously published as pathogenic or benign to our knowledge; This variant is associated with the following publications: (PMID: 32051609)

Labcorp Genetics (formerly Invitae), Labcorp
Classification: Uncertain significance. Last evaluated: 2025-05-14. Review status: criteria provided, single submitter. Criteria: Invitae Variant Classification Sherloc (09022015). Collection method: clinical testing. Allele origin: germline.
Comment: This sequence change replaces asparagine, which is neutral and polar, with serine, which is neutral and polar, at codon 435 of the CTNNA1 protein (p.Asn435Ser). This variant is present in population databases (rs752913534, gnomAD 0.05%), and has an allele count higher than expected for a pathogenic variant. This variant has not been reported in the literature in individuals affected with CTNNA1-related conditions. ClinVar contains an entry for this variant (Variation ID: 863033). Invitae Evidence Modeling of protein sequence and biophysical properties (such as structural, functional, and spatial information, amino acid conservation, physicochemical variation, residue mobility, and thermodynamic stability) has been performed for this missense variant. However, the output from this modeling did not meet the statistical confidence thresholds required to predict the impact of this variant on CTNNA1 protein function. In summary, the available evidence is currently insufficient to determine the role of this variant in disease. Therefore, it has been classified as a Variant of Uncertain Significance.

Baylor Genetics
Classification: Uncertain significance for Patterned macular dystrophy 2. Last evaluated: 2023-08-18. Review status: criteria provided, single submitter. Criteria: ACMG Guidelines, 2015. Collection method: clinical testing. Allele origin: unknown.

Ambry Genetics
Classification: Benign for Hereditary cancer-predisposing syndrome. Last evaluated: 2022-07-13. Review status: criteria provided, single submitter. Criteria: Ambry Variant Classification Scheme 2023. Collection method: clinical testing. Allele origin: germline.

Institute of Human Genetics, Univ. Regensburg, Univ. Regensburg
Classification: Uncertain significance for Retinal dystrophy. Last evaluated: 2022-01-01. Review status: criteria provided, single submitter. Criteria: ACMG Guidelines, 2015. Collection method: clinical testing. Allele origin: germline. Affected: yes.

Literature cited by the submitters: PubMed 32051609 (cited by Institute of Human Genetics, Univ. Regensburg, Univ. Regensburg).

NM_001903.5(CTNNA1):c.1304A>G (p.Asn435Ser)

Gene: CTNNA1 (catenin alpha 1; plus strand). Cytogenetic location: 5q31.2.
Variant type: single nucleotide variant.
Coding change: c.1304A>G on transcript NM_001903.5 (MANE Select); coding-DNA position 1304, A replaced by G.
Protein change: p.Asn435Ser; replaces asparagine 435 with serine.
Molecular consequence: missense variant. On other transcripts: intron variant (3), 5 prime UTR variant (6).
Genome position (GRCh38, 1-based): chr5:138,904,356, A>G. VCF-style: chr5-138904356-A-G. GRCh37 (hg19) VCF-style: chr5-138240045-A-G.
Other names: c.1304A>G, p.Asn435Ser (NM_001290307.3, NM_001323982.2, NM_001323983.1 and 2 more transcripts); c.995A>G, p.Asn332Ser (NM_001290309.3); c.935A>G, p.Asn312Ser (NM_001290310.3); c.194A>G, p.Asn65Ser (NM_001290312.1, NM_001323987.1, NM_001323988.1 and 17 more transcripts); c.187-13386A>G (NM_001324011.1); c.-60-13386A>G (NM_001324010.1); c.-204A>G (NM_001324006.1, NM_001324007.1, NM_001324008.1 and 1 more transcripts); c.-50A>G (NM_001324012.1, NM_001324013.1); and 1 more; short protein forms N65S, N312S, N332S, N435S.
Identifiers: ClinVar variation 863033 (VCV000863033.14), dbSNP rs752913534, ClinGen allele CA3431913.